The following is an entry in ClinVar:

NM_024422.6(DSC2):c.767G>A (p.Cys256Tyr)

Gene: DSC2 (desmocollin 2; minus strand). Cytogenetic location: 18q12.1.
Variant type: single nucleotide variant.
Coding change: c.767G>A on transcript NM_024422.6 (MANE Select); coding-DNA position 767, G replaced by A.
Protein change: p.Cys256Tyr; replaces cysteine 256 with tyrosine.
Molecular consequence: missense variant.
Genome position (GRCh38, 1-based): chr18:31,087,677, C>T on the plus strand (G>A on the coding strand, the complement: DSC2 is on the minus strand). VCF-style: chr18-31087677-C-T. GRCh37 (hg19) VCF-style: chr18-28667640-C-T.
Other names: c.338G>A, p.Cys113Tyr (NM_001406506.1, NM_001406507.1); c.767G>A, p.Cys256Tyr (NM_004949.5); short protein forms C113Y, C256Y.
Identifiers: ClinVar variation 3894420 (VCV003894420.1).

ClinVar aggregate classification (germline): Uncertain significance (1 of 4 stars; one submission).

Conditions:
Cardiomyopathy (CMYO). Also called: Cardiomyopathies. Identifiers: Orphanet 167848, MedGen C0878544, MONDO:0004994, HP:0001638. Inheritance: Various modes of inheritance.

Submission:

Color Diagnostics, LLC DBA Color Health
Classification: Uncertain significance for Cardiomyopathy. Last evaluated: 2024-01-22. Review status: criteria provided, single submitter. Criteria: ACMG Guidelines, 2015. Collection method: clinical testing. Allele origin: germline.
Comment: This missense variant replaces cysteine with tyrosine at codon 256 of the DSC2 protein. Computational prediction suggests that this variant may not impact protein structure and function (internally defined REVEL score threshold <= 0.5, PMID: 27666373). To our knowledge, functional studies have not been reported for this variant. This variant has not been reported in individuals affected with DSC2-related disorders in the literature. This variant has not been identified in the general population by the Genome Aggregation Database (gnomAD). The available evidence is insufficient to determine the role of this variant in disease conclusively. Therefore, this variant is classified as a Variant of Uncertain Significance.